The following is an entry in ClinVar:

ClinVar aggregate classification (germline): Uncertain significance. Review status: criteria provided, multiple submitters, no conflicts (2 of 4 stars). 5 submissions from 5 submitters: Uncertain significance (5). Last evaluated 2025-07-09.

Conditions:
Wilson disease (WND). Also called: Wilson's disease. Identifiers: Orphanet 905, MedGen C0019202, MONDO:0010200, OMIM 277900. Disease mechanism: loss of function.

Allele frequency attached by ClinVar (database versions not stated): gnomAD exomes below 0.00001.
gnomAD v4.1: 5 of 1,614,198 alleles (0.00031%); highest among the groups gnomAD compares: East Asian, 0.0022%; no homozygotes.

Submissions (5):

Color Diagnostics, LLC DBA Color Health
Classification: Uncertain significance for Wilson disease. Last evaluated: 2025-07-09. Review status: criteria provided, single submitter. Criteria: ACMG Guidelines, 2015. Collection method: clinical testing. Allele origin: germline.
Comment: This missense variant replaces aspartic acid with glycine at codon 617 of the ATP7B protein. Computational prediction suggests that this variant may have deleterious impact on protein structure and function. To our knowledge, functional studies have not been reported for this variant. This variant has not been reported in individuals affected with ATP7B-related disorders in the literature. This variant has not been identified in the general population by the Genome Aggregation Database (gnomAD). The available evidence is insufficient to determine the role of this variant in disease conclusively. Therefore, this variant is classified as a Variant of Uncertain Significance.

All of Us Research Program, National Institutes of Health
Classification: Uncertain significance for Wilson disease. Last evaluated: 2024-02-05. Review status: criteria provided, single submitter. Criteria: ACMG Guidelines, 2015. Collection method: clinical testing. Allele origin: germline. Inheritance: Autosomal recessive inheritance. Observed: 2 variant alleles, 2 heterozygotes.
Comment: This missense variant replaces aspartic acid with glycine at codon 617 of the ATP7B protein. Computational prediction suggests that this variant may have deleterious impact on protein structure and function (internally defined REVEL score threshold >= 0.7, PMID: 27666373). To our knowledge, functional studies have not been reported for this variant. This variant has not been reported in individuals affected with ATP7B-related disorders in the literature. This variant has not been identified in the general population by the Genome Aggregation Database (gnomAD). The available evidence is insufficient to determine the role of this variant in disease conclusively. Therefore, this variant is classified as a Variant of Uncertain Significance.

This study involves interpretation of variants in research participants for the purpose of population health screening. Participant phenotype was not available at the time of variant classification. Additional details can be found in publication PMID: 35346344, PMCID: PMC8962531

Labcorp Genetics (formerly Invitae), Labcorp
Classification: Uncertain significance for Wilson disease. Last evaluated: 2022-08-12. Review status: criteria provided, single submitter. Criteria: Invitae Variant Classification Sherloc (09022015). Collection method: clinical testing. Allele origin: germline.
Comment: This sequence change replaces aspartic acid, which is acidic and polar, with glycine, which is neutral and non-polar, at codon 617 of the ATP7B protein (p.Asp617Gly). This variant is not present in population databases (gnomAD no frequency). This variant has not been reported in the literature in individuals affected with ATP7B-related conditions. ClinVar contains an entry for this variant (Variation ID: 1694088). Advanced modeling of protein sequence and biophysical properties (such as structural, functional, and spatial information, amino acid conservation, physicochemical variation, residue mobility, and thermodynamic stability) performed at Invitae indicates that this missense variant is expected to disrupt ATP7B protein function. Algorithms developed to predict the effect of sequence changes on RNA splicing suggest that this variant may create or strengthen a splice site. In summary, the available evidence is currently insufficient to determine the role of this variant in disease. Therefore, it has been classified as a Variant of Uncertain Significance.

Fulgent Genetics
Classification: Uncertain significance for Wilson disease. Last evaluated: 2022-04-14. Review status: criteria provided, single submitter. Criteria: ACMG Guidelines, 2015. Collection method: clinical testing. Allele origin: unknown.

Mayo Clinic Laboratories, Mayo Clinic
Classification: Uncertain significance. Last evaluated: 2021-04-07. Review status: criteria provided, single submitter. Criteria: ACMG Guidelines, 2015. Collection method: clinical testing. Allele origin: germline.

NM_000053.4(ATP7B):c.1850A>G (p.Asp617Gly)

Gene: ATP7B (ATPase copper transporting beta; minus strand). Cytogenetic location: 13q14.3.
Variant type: single nucleotide variant.
Coding change: c.1850A>G on transcript NM_000053.4 (MANE Select); coding-DNA position 1850, A replaced by G.
Protein change: p.Asp617Gly; replaces aspartic acid 617 with glycine.
Molecular consequence: missense variant.
Genome position (GRCh38, 1-based): chr13:51,964,891, T>C on the plus strand (A>G on the coding strand, the complement: ATP7B is on the minus strand). VCF-style: chr13-51964891-T-C. GRCh37 (hg19) VCF-style: chr13-52539027-T-C.
Other names: p.Asp617Gly; c.1850A>G, p.Asp617Gly (NM_001005918.3, NM_001330578.2, NM_001330579.2); c.1517A>G, p.Asp506Gly (NM_001243182.2); short protein forms D506G, D617G.
Identifiers: ClinVar variation 1694088 (VCV001694088.9), dbSNP rs371038011, ClinGen allele CA250061538.